The following is an entry in ClinVar:

NM_006767.4(LZTR1):c.1514G>T (p.Arg505Leu)

Gene: LZTR1 (leucine zipper like post translational regulator 1; plus strand). Cytogenetic location: 22q11.21.
Variant type: single nucleotide variant.
Coding change: c.1514G>T on transcript NM_006767.4 (MANE Select); coding-DNA position 1514, G replaced by T.
Protein change: p.Arg505Leu; replaces arginine 505 with leucine.
Molecular consequence: missense variant.
Genome position (GRCh38, 1-based): chr22:20,994,168, G>T. VCF-style: chr22-20994168-G-T. GRCh37 (hg19) VCF-style: chr22-21348457-G-T.
Other names: short protein forms R505L.
Identifiers: ClinVar variation 3393900 (VCV003393900.4).

ClinVar aggregate classification (germline): Uncertain significance. Review status: criteria provided, multiple submitters, no conflicts (2 of 4 stars). 3 submissions from 3 submitters: Uncertain significance (3). Last evaluated 2025-09-23.

Conditions:
Hereditary cancer-predisposing syndrome. Also called: Hereditary Cancer Syndrome; Tumor predisposition; Hereditary neoplastic syndrome; Neoplastic Syndromes, Hereditary. Identifiers: Orphanet 140162, MedGen C0027672, MeSH D009386, MONDO:0015356.
Cardiovascular phenotype. Identifiers: MedGen CN230736.

Submissions (3):

GeneDx
Classification: Uncertain significance. Last evaluated: 2025-09-23. Review status: criteria provided, single submitter. Criteria: GeneDx Variant Classification Process June 2021. Collection method: clinical testing. Allele origin: germline. Affected: yes.
Comment: Not observed at significant frequency in large population cohorts (gnomAD); In silico analysis suggests that this missense variant does not alter protein structure/function; Has not been previously published as pathogenic or benign to our knowledge

Ambry Genetics
Classification: Uncertain significance for Cardiovascular phenotype; Hereditary cancer-predisposing syndrome. Last evaluated: 2025-09-04. Review status: criteria provided, single submitter. Criteria: Ambry Variant Classification Scheme 2023. Collection method: clinical testing. Allele origin: germline.
Comment: The p.R505L variant (also known as c.1514G>T), located in coding exon 14 of the LZTR1 gene, results from a G to T substitution at nucleotide position 1514. The arginine at codon 505 is replaced by leucine, an amino acid with dissimilar properties. This amino acid position is conserved. In addition, this alteration is predicted to be tolerated by in silico analysis. Based on the available evidence, the clinical significance of this variant remains unclear.

Labcorp Genetics (formerly Invitae), Labcorp
Classification: Uncertain significance. Last evaluated: 2024-04-09. Review status: criteria provided, single submitter. Criteria: Invitae Variant Classification Sherloc (09022015). Collection method: clinical testing. Allele origin: germline.
Comment: This sequence change replaces arginine, which is basic and polar, with leucine, which is neutral and non-polar, at codon 505 of the LZTR1 protein (p.Arg505Leu). This variant is not present in population databases (gnomAD no frequency). This variant has not been reported in the literature in individuals affected with LZTR1-related conditions. Advanced modeling of protein sequence and biophysical properties (such as structural, functional, and spatial information, amino acid conservation, physicochemical variation, residue mobility, and thermodynamic stability) performed at Invitae indicates that this missense variant is not expected to disrupt LZTR1 protein function with a negative predictive value of 80%. In summary, the available evidence is currently insufficient to determine the role of this variant in disease. Therefore, it has been classified as a Variant of Uncertain Significance.